The following is an entry in ClinVar:

NM_001854.4(COL11A1):c.787C>T (p.Pro263Ser)

Gene: COL11A1 (collagen type XI alpha 1 chain; minus strand). Cytogenetic location: 1p21.1.
Variant type: single nucleotide variant.
Coding change: c.787C>T on transcript NM_001854.4 (MANE Select); coding-DNA position 787, C replaced by T.
Protein change: p.Pro263Ser; replaces proline 263 with serine.
Molecular consequence: missense variant. On other transcripts: non-coding transcript variant (1), intron variant (2).
Genome position (GRCh38, 1-based): chr1:103,026,326, G>A on the plus strand (C>T on the coding strand, the complement: COL11A1 is on the minus strand). VCF-style: chr1-103026326-G-A. GRCh37 (hg19) VCF-style: chr1-103491882-G-A.
Other names: c.787C>T (NM_001854.3); c.787C>T, p.Pro263Ser (NM_080630.4); c.781-713C>T (NM_001190709.2); c.781-374C>T (NM_080629.3); short protein forms P263S.
Identifiers: ClinVar variation 1416807 (VCV001416807.7), dbSNP rs372319750, ClinGen allele CA975307.
Genomic context (GRCh38, chr1:103,026,326, plus strand): 5'-TTTCAGCCTCTTTATACTCTGCTTCCCCATACTCATAGTCATATTCGATTATATCCTCTG[G>A]TGCATACTACATTGCAAAGGAAAAAATATCAGGCAATTGTGTTAGTGGCAAAATACTATT-3'
Protein context (NP_001845.3, residues 253-273): AQEPQIDEYA[Pro263Ser]EDIIEYDYEY

ClinVar aggregate classification (germline): Conflicting classifications of pathogenicity. Review status: criteria provided, conflicting classifications (1 of 4 stars). 2 submissions from 2 submitters: Uncertain significance (1); Benign (1). Last evaluated 2026-01-21.

Submissions (2):

Labcorp Genetics (formerly Invitae), Labcorp
Classification: Benign. Last evaluated: 2026-01-21. Review status: criteria provided, single submitter. Criteria: Invitae Variant Classification Sherloc (09022015). Collection method: clinical testing. Allele origin: germline.

GeneDx
Classification: Uncertain significance. Last evaluated: 2024-10-24. Review status: criteria provided, single submitter. Criteria: GeneDx Variant Classification Process June 2021. Collection method: clinical testing. Allele origin: germline. Affected: yes.
Comment: In silico analysis indicates that this missense variant does not alter protein structure/function; Not located in the triple helical region, where the majority of pathogenic missense variants occur (HGMD; PMID: 25240749); Has not been previously published as pathogenic or benign to our knowledge; This variant is associated with the following publications: (PMID: 25240749)